The following is an entry in ClinVar:

ClinVar aggregate classification (germline): Uncertain significance (1 of 4 stars; one submission).

Conditions:
Severe combined immunodeficiency due to DNA-PKcs deficiency. Also called: IMMUNODEFICIENCY 26 WITH NEUROLOGIC ABNORMALITIES; Immunodeficiency 26 with or without neurologic abnormalities. Identifiers: Orphanet 317425, MedGen C4014833, MONDO:0014423, OMIM 615966.

Allele frequency attached by ClinVar (database versions not stated): gnomAD 0.00001; TOPMed 0.00001.
gnomAD v4.1: 2 of 1,613,408 alleles (0.00012%); highest among the groups gnomAD compares: African/African-American, 0.0013%; no homozygotes.

Submission:

Labcorp Genetics (formerly Invitae), Labcorp
Classification: Uncertain significance for Severe combined immunodeficiency due to DNA-PKcs deficiency. Last evaluated: 2025-03-03. Review status: criteria provided, single submitter. Criteria: Invitae Variant Classification Sherloc (09022015). Collection method: clinical testing. Allele origin: germline.
Comment: This sequence change replaces isoleucine, which is neutral and non-polar, with valine, which is neutral and non-polar, at codon 2832 of the PRKDC protein (p.Ile2832Val). This variant is present in population databases (no rsID available, gnomAD 0.01%). This variant has not been reported in the literature in individuals affected with PRKDC-related conditions. ClinVar contains an entry for this variant (Variation ID: 1026915). Invitae Evidence Modeling of protein sequence and biophysical properties (such as structural, functional, and spatial information, amino acid conservation, physicochemical variation, residue mobility, and thermodynamic stability) indicates that this missense variant is not expected to disrupt PRKDC protein function with a negative predictive value of 80%. In summary, the available evidence is currently insufficient to determine the role of this variant in disease. Therefore, it has been classified as a Variant of Uncertain Significance.

NM_006904.7(PRKDC):c.8494A>G (p.Ile2832Val)

Gene: PRKDC (protein kinase, DNA-activated, catalytic subunit; minus strand). Cytogenetic location: 8q11.21.
Variant type: single nucleotide variant.
Coding change: c.8494A>G on transcript NM_006904.7 (MANE Select); coding-DNA position 8494, A replaced by G.
Protein change: p.Ile2832Val; replaces isoleucine 2832 with valine.
Molecular consequence: missense variant.
Genome position (GRCh38, 1-based): chr8:47,828,251, T>C on the plus strand (A>G on the coding strand, the complement: PRKDC is on the minus strand). VCF-style: chr8-47828251-T-C. GRCh37 (hg19) VCF-style: chr8-48740812-T-C.
Other names: c.8494A>G, p.Ile2832Val (NM_001081640.2); short protein forms I2832V.
Identifiers: ClinVar variation 1026915 (VCV001026915.3), dbSNP rs948862967, ClinGen allele CA176152112.